The following is an entry in ClinVar:

NM_018714.3(COG1):c.1139C>T (p.Ala380Val)

Genes: COG1 (component of oligomeric golgi complex 1; plus strand), LOC126862634 (CDK7 strongly-dependent group 2 enhancer GRCh37_chr17:71195948-71197147; plus strand). Cytogenetic location: 17q25.1.
Variant type: single nucleotide variant.
Coding change: c.1139C>T on transcript NM_018714.3 (MANE Select); coding-DNA position 1139, C replaced by T.
Protein change: p.Ala380Val; replaces alanine 380 with valine.
Molecular consequence: missense variant.
Genome position (GRCh38, 1-based): chr17:73,200,634, C>T. VCF-style: chr17-73200634-C-T. GRCh37 (hg19) VCF-style: chr17-71196773-C-T.
Other names: short protein forms A380V.
Identifiers: ClinVar variation 2083504 (VCV002083504.3), dbSNP rs1482120235, ClinGen allele CA400889746.

ClinVar aggregate classification (germline): Uncertain significance. Review status: criteria provided, multiple submitters, no conflicts (2 of 4 stars). 2 submissions from 2 submitters: Uncertain significance (2). Last evaluated 2024-10-07.

Conditions:
Inborn genetic diseases. Identifiers: MedGen C0950123, MeSH D030342.
COG1 congenital disorder of glycosylation (CDG2G). Also called: CONGENITAL DISORDER OF GLYCOSYLATION, TYPE IIg; CDG IIg; CDGII/COG1 CEREBROCOSTOMANDIBULAR-LIKE SYNDROME. Identifiers: Orphanet 263508, MedGen C2931011, MONDO:0012637, OMIM 611209.

Allele frequency attached by ClinVar (database versions not stated): gnomAD exomes 0.00001; gnomAD 0.00002; TOPMed 0.00002.

Submissions (2):

Ambry Genetics
Classification: Uncertain significance for Inborn genetic diseases. Last evaluated: 2024-10-07. Review status: criteria provided, single submitter. Criteria: Ambry Variant Classification Scheme 2023. Collection method: clinical testing. Allele origin: germline.

Labcorp Genetics (formerly Invitae), Labcorp
Classification: Uncertain significance for COG1 congenital disorder of glycosylation. Last evaluated: 2022-05-25. Review status: criteria provided, single submitter. Criteria: Invitae Variant Classification Sherloc (09022015). Collection method: clinical testing. Allele origin: germline.
Comment: This sequence change replaces alanine, which is neutral and non-polar, with valine, which is neutral and non-polar, at codon 380 of the COG1 protein (p.Ala380Val). This variant is present in population databases (no rsID available, gnomAD 0.02%). This variant has not been reported in the literature in individuals affected with COG1-related conditions. Algorithms developed to predict the effect of missense changes on protein structure and function are either unavailable or do not agree on the potential impact of this missense change (SIFT: "Tolerated"; PolyPhen-2: "Probably Damaging"; Align-GVGD: "Class C0"). In summary, the available evidence is currently insufficient to determine the role of this variant in disease. Therefore, it has been classified as a Variant of Uncertain Significance.